The following is an entry in ClinVar:

NM_031885.5(BBS2):c.407C>T (p.Ala136Val)

Gene: BBS2 (Bardet-Biedl syndrome 2; minus strand). Cytogenetic location: 16q13.
Variant type: single nucleotide variant.
Coding change: c.407C>T on transcript NM_031885.5 (MANE Select); coding-DNA position 407, C replaced by T.
Protein change: p.Ala136Val; replaces alanine 136 with valine.
Molecular consequence: missense variant. On other transcripts: non-coding transcript variant (5).
Genome position (GRCh38, 1-based): chr16:56,511,223, G>A on the plus strand (C>T on the coding strand, the complement: BBS2 is on the minus strand). VCF-style: chr16-56511223-G-A. GRCh37 (hg19) VCF-style: chr16-56545135-G-A.
Other names: c.407C>T, p.Ala136Val (NM_001377456.1); short protein forms A136V.
Identifiers: ClinVar variation 3347749 (VCV003347749.3).
Genomic context (GRCh38, chr16:56,511,223, plus strand): 5'-CAAAAGAGATCACTTCCTTCATGATTGAAACCTTGCAGAGCACAATTGCCACCAATAATC[G>A]CAAGAGGGGAAGAAATGTCTCCCAATGTCCCCAGCACAATTGCATTTGCCCCATCTGCTA-3'
Protein context (NP_114091.4, residues 126-146): GTLGDISSPL[Ala136Val]IIGGNCALQG

ClinVar aggregate classification (germline): Uncertain significance. Review status: criteria provided, multiple submitters, no conflicts (2 of 4 stars). 2 submissions from 2 submitters: Uncertain significance (2). Last evaluated 2025-04-23.

Conditions:
Retinitis pigmentosa 74 (RP74). Identifiers: Orphanet 791, MedGen C4225281, MONDO:0014692, OMIM 616562.
Bardet-Biedl syndrome 2 (BBS2). Identifiers: Orphanet 110, MedGen C2936863, MONDO:0014432, OMIM 615981.
BBS2-related disorder. Also called: BBS2-related disorders; BBS2-related condition. Identifiers: MedGen CN239228.

gnomAD v4.1: 13 of 1,613,966 alleles (0.00081%); highest among the groups gnomAD compares: South Asian, 0.0033%; no homozygotes.

Submissions (2):

PreventionGenetics, part of Exact Sciences
Classification: Uncertain significance for BBS2-related condition. Last evaluated: 2025-04-23. Review status: criteria provided, single submitter. Criteria: ACMG Guidelines, 2015. Collection method: clinical testing. Allele origin: germline.
Comment: The BBS2 c.407C>T variant is predicted to result in the amino acid substitution p.Ala136Val. To our knowledge, this variant has not been reported in the literature. This variant is reported in 0.0033% of alleles in individuals of South Asian descent in gnomAD. At this time, the clinical significance of this variant is uncertain due to the absence of conclusive functional and genetic evidence.

Fulgent Genetics
Classification: Uncertain significance for Bardet-Biedl syndrome 2; Retinitis pigmentosa 74. Last evaluated: 2024-03-25. Review status: criteria provided, single submitter. Criteria: ACMG Guidelines, 2015. Collection method: clinical testing. Allele origin: germline.